The following is an entry in ClinVar:

NM_005559.4(LAMA1):c.6200C>G (p.Ala2067Gly)

Gene: LAMA1 (laminin subunit alpha 1; minus strand). Cytogenetic location: 18p11.31.
Variant type: single nucleotide variant.
Coding change: c.6200C>G on transcript NM_005559.4 (MANE Select); coding-DNA position 6200, C replaced by G.
Protein change: p.Ala2067Gly; replaces alanine 2067 with glycine.
Molecular consequence: missense variant.
Genome position (GRCh38, 1-based): chr18:6,977,872, G>C on the plus strand (C>G on the coding strand, the complement: LAMA1 is on the minus strand). VCF-style: chr18-6977872-G-C. GRCh37 (hg19) VCF-style: chr18-6977871-G-C.
Other names: short protein forms A2067G.
Identifiers: ClinVar variation 755297 (VCV000755297.16), dbSNP rs143853128, ClinGen allele CA8881312.
Genomic context (GRCh38, chr18:6,977,872, plus strand): 5'-GGCTTCAACCGATCAAACAAAAGGTTGGCTTGAATTTCCACGTCTTTGACTTTTCTTCCA[G>C]CCAACAGAGCTAACAAATACAAGAAGGCAAGGGGTGGCAAGAAAGTTGGGGAGAGGGAAA-3'
Protein context (NP_005550.2, residues 2057-2077): LQDSTMATLL[Ala2067Gly]GRKVKDVEIQ

ClinVar aggregate classification (germline): Conflicting classifications of pathogenicity. Review status: criteria provided, conflicting classifications (1 of 4 stars). 6 submissions from 6 submitters: Uncertain significance (1); Likely benign (4). 1 of the submissions does not count toward it. Last evaluated 2025-12-01.

Conditions:
LAMA1-related disorder. Also called: LAMA1-related disorders; LAMA1-related condition.
Inborn genetic diseases. Identifiers: MedGen C0950123, MeSH D030342.

Allele frequency attached by ClinVar (database versions not stated): 1000 Genomes Project 30x 0.00016; TOPMed 0.00061; ESP Exome Variant Server 0.00077.
gnomAD v4.1: 198 of 1,612,002 alleles (0.012%); highest among the groups gnomAD compares: African/African-American, 0.25%; 1 homozygote.

Submissions (6):

Labcorp Genetics (formerly Invitae), Labcorp
Classification: Likely benign. Last evaluated: 2025-12-01. Review status: criteria provided, single submitter. Criteria: Invitae Variant Classification Sherloc (09022015). Collection method: clinical testing. Allele origin: germline.

Women's Health and Genetics/Laboratory Corporation of America, LabCorp
Classification: Likely benign. Last evaluated: 2025-06-17. Review status: criteria provided, single submitter. Criteria: LabCorp Variant Classification Summary - May 2015. Collection method: clinical testing. Allele origin: germline.
Comment: Variant summary: LAMA1 c.6200C>G (p.Ala2067Gly) results in a non-conservative amino acid change in the encoded protein sequence. Algorithms developed to predict the effect of missense changes on protein structure and function are either unavailable or do not agree on the potential impact of this missense change. The variant allele was found at a frequency of 0.00018 in 249442 control chromosomes, predominantly at a frequency of 0.0025 within the African or African-American subpopulation in the gnomAD database. The observed variant frequency within African or African-American control individuals in the gnomAD database exceeds the estimated maximal expected allele frequency for a pathogenic variant in LAMA1 causing Ataxia-Intellectual Disability-Oculomotor Apraxia-Cerebellar Cysts Syndrome phenotype. To our knowledge, no occurrence of c.6200C>G in individuals affected with Ataxia-Intellectual Disability-Oculomotor Apraxia-Cerebellar Cysts Syndrome and no experimental evidence demonstrating its impact on protein function have been reported. ClinVar contains an entry for this variant (Variation ID: 755297). Based on the evidence outlined above, the variant was classified as likely benign.

Blueprint Genetics
Classification: Likely benign. Last evaluated: 2024-08-05. Review status: criteria provided, single submitter. Criteria: ACMG Guidelines, 2015. Collection method: clinical testing. Allele origin: germline.

GeneDx
Classification: Uncertain significance. Last evaluated: 2023-05-14. Review status: criteria provided, single submitter. Criteria: GeneDx Variant Classification Process June 2021. Collection method: clinical testing. Allele origin: germline. Affected: yes.
Comment: Has not been previously published as pathogenic or benign to our knowledge; In silico analysis supports that this missense variant has a deleterious effect on protein structure/function

Ambry Genetics
Classification: Likely benign for Inborn genetic diseases. Last evaluated: 2022-09-19. Review status: criteria provided, single submitter. Criteria: Ambry Variant Classification Scheme 2023. Collection method: clinical testing. Allele origin: germline.

PreventionGenetics, part of Exact Sciences
Classification: Likely benign for LAMA1-related condition. Last evaluated: 2023-10-29. Review status: no assertion criteria provided. Collection method: clinical testing. Allele origin: germline. Not counted in ClinVar's aggregate classification.
Comment: This variant is classified as likely benign based on ACMG/AMP sequence variant interpretation guidelines (Richards et al. 2015 PMID: 25741868, with internal and published modifications).